The following is an entry in ClinVar:

NM_001083116.3(PRF1):c.1542T>A (p.His514Gln)

Gene: PRF1 (perforin 1; minus strand). Cytogenetic location: 10q22.1.
Variant type: single nucleotide variant.
Coding change: c.1542T>A on transcript NM_001083116.3 (MANE Select); coding-DNA position 1542, T replaced by A.
Protein change: p.His514Gln; replaces histidine 514 with glutamine.
Molecular consequence: missense variant.
Genome position (GRCh38, 1-based): chr10:70,598,179, A>T on the plus strand (T>A on the coding strand, the complement: PRF1 is on the minus strand). VCF-style: chr10-70598179-A-T. GRCh37 (hg19) VCF-style: chr10-72357935-A-T.
Other names: c.1542T>A, p.His514Gln (NM_005041.6); short protein forms H514Q.
Identifiers: ClinVar variation 567164 (VCV000567164.8), dbSNP rs1202935059, ClinGen allele CA376955148.

ClinVar aggregate classification (germline): Uncertain significance. Review status: criteria provided, multiple submitters, no conflicts (2 of 4 stars). 2 submissions from 2 submitters: Uncertain significance (2). Last evaluated 2025-03-05.

Conditions:
PRF1-related disorder. Also called: PRF1-related condition.
Familial hemophagocytic lymphohistiocytosis 2 (FHL2). Also called: PRF1-Related Familial Hemophagocytic Lymphohistiocytosis (PRF1-fHLH). Identifiers: Orphanet 540, MedGen C1863727, MONDO:0011337, OMIM 603553.

Allele frequency attached by ClinVar (database versions not stated): gnomAD exomes below 0.00001 and 0.00003; TOPMed 0.00001.

Submissions (2):

Labcorp Genetics (formerly Invitae), Labcorp
Classification: Uncertain significance for Familial hemophagocytic lymphohistiocytosis 2. Last evaluated: 2025-03-05. Review status: criteria provided, single submitter. Criteria: Invitae Variant Classification Sherloc (09022015). Collection method: clinical testing. Allele origin: germline.
Comment: This sequence change replaces histidine, which is basic and polar, with glutamine, which is neutral and polar, at codon 514 of the PRF1 protein (p.His514Gln). The frequency data for this variant in the population databases is considered unreliable, as metrics indicate poor data quality at this position in the gnomAD database. This variant has not been reported in the literature in individuals affected with PRF1-related conditions. ClinVar contains an entry for this variant (Variation ID: 567164). Invitae Evidence Modeling of protein sequence and biophysical properties (such as structural, functional, and spatial information, amino acid conservation, physicochemical variation, residue mobility, and thermodynamic stability) has been performed for this missense variant. However, the output from this modeling did not meet the statistical confidence thresholds required to predict the impact of this variant on PRF1 protein function. In summary, the available evidence is currently insufficient to determine the role of this variant in disease. Therefore, it has been classified as a Variant of Uncertain Significance.

PreventionGenetics, part of Exact Sciences
Classification: Uncertain significance for PRF1-related condition. Last evaluated: 2024-11-07. Review status: criteria provided, single submitter. Criteria: ACMG Guidelines, 2015. Collection method: clinical testing. Allele origin: germline.
Comment: The PRF1 c.1542T>A variant is predicted to result in the amino acid substitution p.His514Gln. To our knowledge, this variant has not been reported in the literature. This variant is reported in 0.0015% of alleles in individuals of European (Non-Finnish) descent in gnomAD. At this time, the clinical significance of this variant is uncertain due to the absence of conclusive functional and genetic evidence.